The following is an entry in ClinVar:

NM_032271.3(TRAF7):c.178C>T (p.Pro60Ser)

Gene: TRAF7 (TNF receptor associated factor 7; plus strand). Cytogenetic location: 16p13.3.
Variant type: single nucleotide variant.
Coding change: c.178C>T on transcript NM_032271.3 (MANE Select); coding-DNA position 178, C replaced by T.
Protein change: p.Pro60Ser; replaces proline 60 with serine.
Molecular consequence: missense variant.
Genome position (GRCh38, 1-based): chr16:2,168,115, C>T. VCF-style: chr16-2168115-C-T. GRCh37 (hg19) VCF-style: chr16-2218116-C-T.
Other names: short protein forms P60S.
Identifiers: ClinVar variation 3242003 (VCV003242003.1), dbSNP rs1567249641.
Genomic context (GRCh38, chr16:2,168,115, plus strand): 5'-CGCCAGCCCTCTTGCCTTGCAGCTGACGGGACCAGCACCTACAAGCAGCACTGCAGGACA[C>T]CCTCCTCCTCCAGCACCCTTGCCTACTCCCCGCGGGACGAGGAGGACAGCATGGTAGGTC-3'
Protein context (NP_115647.2, residues 50-70): TSTYKQHCRT[Pro60Ser]SSSSTLAYSP

ClinVar aggregate classification (germline): Uncertain significance (1 of 4 stars; one submission).

Conditions:
Cardiac, facial, and digital anomalies with developmental delay. Identifiers: Orphanet 592570, MedGen C4748484, MONDO:0032572, OMIM 618164.

gnomAD v4.1: 2 of 1,612,362 alleles (0.00012%); highest among the groups gnomAD compares: Non-Finnish European, 0.00017%; no homozygotes.

Submission:

Neuberg Centre For Genomic Medicine, NCGM
Classification: Uncertain significance for Cardiac, facial, and digital anomalies with developmental delay. Review status: criteria provided, single submitter. Criteria: ACMG Guidelines, 2015. Collection method: clinical testing. Allele origin: germline. Inheritance: Autosomal dominant inheritance. Affected: yes.
Comment: The observed missense variant c.178C>T (p.Pro60Ser) in TRAF7 gene has not been reported previously as a pathogenic variant nor as a benign variant, to our knowledge. The p.Pro60Ser variant is absent in gnomAD Exomes database. This variant has not been reported to the ClinVar database. The amino acid change p.Pro60Ser in TRAF7 is predicted as conserved by GERP++ and PhyloP across 100 vertebrates. The amino acid Pro at position 60 is changed to a Ser changing protein sequence and it might alter its composition and physico-chemical properties. For these reasons, this variant has been classified as a Variant of Uncertain Significance (VUS).